The following is an entry in ClinVar:

NM_001330723.2(SNX27):c.898G>A (p.Val300Ile)

Gene: SNX27 (sorting nexin 27; plus strand). Cytogenetic location: 1q21.3.
Variant type: single nucleotide variant.
Coding change: c.898G>A on transcript NM_001330723.2 (MANE Select); coding-DNA position 898, G replaced by A.
Protein change: p.Val300Ile; replaces valine 300 with isoleucine.
Molecular consequence: missense variant.
Genome position (GRCh38, 1-based): chr1:151,662,262, G>A. VCF-style: chr1-151662262-G-A. GRCh37 (hg19) VCF-style: chr1-151634738-G-A.
Other names: c.898G>A, p.Val300Ile (NM_030918.6); short protein forms V300I.
Identifiers: ClinVar variation 1440190 (VCV001440190.5), dbSNP rs749870596, ClinGen allele CA1093523.

ClinVar aggregate classification (germline): Uncertain significance (1 of 4 stars; one submission).

Conditions:
Severe myoclonic epilepsy in infancy (DRVT). Also called: DEVELOPMENTAL AND EPILEPTIC ENCEPHALOPATHY 6A; Severe Myoclonic Epilepsy in Infancy (SMEI); SEVERE MYOCLONIC EPILEPSY OF INFANCY; Dravet syndrome; Epileptic encephalopathy, early infantile, 6 (Dravet syndrome). Identifiers: Orphanet 33069, MedGen C0751122, MONDO:0100135, OMIM 607208.

Allele frequency attached by ClinVar (database versions not stated): gnomAD exomes 0.00001 and 0.00002; ExAC 0.00002; gnomAD 0.00003; TOPMed 0.00003.
gnomAD v4.1: 27 of 1,603,190 alleles (0.0017%); highest among the groups gnomAD compares: African/African-American, 0.0013%; no homozygotes.

Submission:

Labcorp Genetics (formerly Invitae), Labcorp
Classification: Uncertain significance for Severe myoclonic epilepsy in infancy. Last evaluated: 2021-08-28. Review status: criteria provided, single submitter. Criteria: Invitae Variant Classification Sherloc (09022015). Collection method: clinical testing. Allele origin: germline.
Comment: This sequence change replaces valine with isoleucine at codon 300 of the SNX27 protein (p.Val300Ile). The valine residue is highly conserved and there is a small physicochemical difference between valine and isoleucine. This variant is present in population databases (rs749870596, ExAC 0.01%). This variant has not been reported in the literature in individuals affected with SNX27-related conditions. Algorithms developed to predict the effect of missense changes on protein structure and function are either unavailable or do not agree on the potential impact of this missense change (SIFT: "Deleterious"; PolyPhen-2: "Benign"; Align-GVGD: "Class C25"). In summary, the available evidence is currently insufficient to determine the role of this variant in disease. Therefore, it has been classified as a Variant of Uncertain Significance.